The following is an entry in ClinVar:

NM_001164508.2(NEB):c.7273A>T (p.Ser2425Cys)

Gene: NEB (nebulin; minus strand). Cytogenetic location: 2q23.3.
Variant type: single nucleotide variant.
Coding change: c.7273A>T on transcript NM_001164508.2 (MANE Select); coding-DNA position 7273, A replaced by T.
Protein change: p.Ser2425Cys; replaces serine 2425 with cysteine.
Molecular consequence: missense variant.
Genome position (GRCh38, 1-based): chr2:151,650,334, T>A on the plus strand (A>T on the coding strand, the complement: NEB is on the minus strand). VCF-style: chr2-151650334-T-A. GRCh37 (hg19) VCF-style: chr2-152506848-T-A.
Other names: c.7273A>T, p.Ser2425Cys (NM_001164507.2, NM_001271208.2, NM_004543.5); short protein forms S2425C.
Identifiers: ClinVar variation 972546 (VCV000972546.4), dbSNP rs758881101, ClinGen allele CA1909889.

ClinVar aggregate classification (germline): Uncertain significance (1 of 4 stars; one submission).

Conditions:
Nemaline myopathy 2 (NEM2). Also called: Nemaline myopathy 2, autosomal recessive. Identifiers: MedGen C1850569, MONDO:0009725, OMIM 256030.

Allele frequency attached by ClinVar (database versions not stated): ExAC 0.00001; gnomAD exomes 0.00001.
gnomAD v4.1: 9 of 1,613,934 alleles (0.00056%); highest among the groups gnomAD compares: Non-Finnish European, 0.00076%; no homozygotes.

Submission:

Labcorp Genetics (formerly Invitae), Labcorp
Classification: Uncertain significance for Nemaline myopathy 2. Last evaluated: 2022-07-12. Review status: criteria provided, single submitter. Criteria: Invitae Variant Classification Sherloc (09022015). Collection method: clinical testing. Allele origin: germline.
Comment: This sequence change replaces serine, which is neutral and polar, with cysteine, which is neutral and slightly polar, at codon 2425 of the NEB protein (p.Ser2425Cys). This variant is present in population databases (rs758881101, gnomAD 0.003%). This variant has not been reported in the literature in individuals affected with NEB-related conditions. ClinVar contains an entry for this variant (Variation ID: 972546). Algorithms developed to predict the effect of missense changes on protein structure and function are either unavailable or do not agree on the potential impact of this missense change (SIFT: "Deleterious"; PolyPhen-2: "Not Available"; Align-GVGD: "Class C0"). In summary, the available evidence is currently insufficient to determine the role of this variant in disease. Therefore, it has been classified as a Variant of Uncertain Significance.